The following is an entry in ClinVar:

ClinVar aggregate classification (germline): Uncertain significance. Review status: criteria provided, multiple submitters, no conflicts (2 of 4 stars). 2 submissions from 2 submitters: Uncertain significance (2). Last evaluated 2026-07-06.

Conditions:
Hereditary cancer-predisposing syndrome. Also called: Tumor predisposition; Hereditary Cancer Syndrome; Hereditary neoplastic syndrome; Neoplastic Syndromes, Hereditary. Identifiers: Orphanet 140162, MedGen C0027672, MeSH D009386, MONDO:0015356.
Oligodontia-cancer predisposition syndrome. Also called: TOOTH AGENESIS-COLORECTAL CANCER SYNDROME. Identifiers: Orphanet 300576, MedGen C1837750, MONDO:0012075, OMIM 608615. Disease mechanism: loss of function.

Allele frequency attached by ClinVar (database versions not stated): gnomAD exomes below 0.00001.
gnomAD v4.1: 2 of 1,614,114 alleles (0.00012%); highest among the groups gnomAD compares: Non-Finnish European, 0.00017%; no homozygotes.

Submissions (2):

Ambry Genetics
Classification: Uncertain significance for Hereditary cancer-predisposing syndrome. Last evaluated: 2026-07-06. Review status: criteria provided, single submitter. Criteria: Ambry Variant Classification Scheme 2023. Collection method: clinical testing. Allele origin: germline.
Comment: The p.T153S variant (also known as c.458C>G), located in coding exon 1 of the AXIN2 gene, results from a C to G substitution at nucleotide position 458. The threonine at codon 153 is replaced by serine, an amino acid with similar properties. This amino acid position is conserved. In addition, this alteration is predicted to be tolerated by in silico analysis. Based on the available evidence, the clinical significance of this variant remains unclear.

Labcorp Genetics (formerly Invitae), Labcorp
Classification: Uncertain significance for Oligodontia-cancer predisposition syndrome. Last evaluated: 2023-01-06. Review status: criteria provided, single submitter. Criteria: Invitae Variant Classification Sherloc (09022015). Collection method: clinical testing. Allele origin: germline.
Comment: This variant has not been reported in the literature in individuals affected with AXIN2-related conditions. In summary, the available evidence is currently insufficient to determine the role of this variant in disease. Therefore, it has been classified as a Variant of Uncertain Significance. Advanced modeling of protein sequence and biophysical properties (such as structural, functional, and spatial information, amino acid conservation, physicochemical variation, residue mobility, and thermodynamic stability) performed at Invitae indicates that this missense variant is expected to disrupt AXIN2 protein function. This variant is not present in population databases (gnomAD no frequency). This sequence change replaces threonine, which is neutral and polar, with serine, which is neutral and polar, at codon 153 of the AXIN2 protein (p.Thr153Ser).

NM_004655.4(AXIN2):c.458C>G (p.Thr153Ser)

Gene: AXIN2 (axin 2; minus strand). Cytogenetic location: 17q24.1.
Variant type: single nucleotide variant.
Coding change: c.458C>G on transcript NM_004655.4 (MANE Select); coding-DNA position 458, C replaced by G.
Protein change: p.Thr153Ser; replaces threonine 153 with serine.
Molecular consequence: missense variant.
Genome position (GRCh38, 1-based): chr17:65,558,163, G>C on the plus strand (C>G on the coding strand, the complement: AXIN2 is on the minus strand). VCF-style: chr17-65558163-G-C. GRCh37 (hg19) VCF-style: chr17-63554281-G-C.
Other names: c.458C>G, p.Thr153Ser (NM_001363813.1); short protein forms T153S.
Identifiers: ClinVar variation 2105918 (VCV002105918.5), dbSNP rs1555583456, ClinGen allele CA400681322.